The following is an entry in ClinVar:

ClinVar aggregate classification (germline): Pathogenic (1 of 4 stars; one submission).

Submission:

Labcorp Genetics (formerly Invitae), Labcorp
Classification: Pathogenic. Last evaluated: 2020-10-09. Review status: criteria provided, single submitter. Criteria: Invitae Variant Classification Sherloc (09022015). Collection method: clinical testing. Allele origin: germline.
Comment: For these reasons, this variant has been classified as Pathogenic. Loss-of-function variants in COL27A1 are known to be pathogenic (PMID: 24986830, 28276056). Algorithms developed to predict the effect of sequence changes on RNA splicing suggest that this variant may create or strengthen a splice site, but this prediction has not been confirmed by published transcriptional studies. This variant has not been reported in the literature in individuals with COL27A1-related conditions. This variant is not present in population databases (ExAC no frequency). This sequence change creates a premature translational stop signal (p.Thr1175Glyfs*18) in the COL27A1 gene. It is expected to result in an absent or disrupted protein product.

Literature cited by the submitters: PubMed 24986830; PubMed 28276056.

NM_032888.4(COL27A1):c.3518_3519insAGGG (p.Thr1175fs)

Gene: COL27A1 (collagen type XXVII alpha 1 chain; plus strand). Cytogenetic location: 9q32.
Variant type: Insertion.
Coding change: c.3518_3519insAGGG on transcript NM_032888.4 (MANE Select); coding-DNA positions 3518 to 3519, AGGG inserted.
Protein change: p.Thr1175fs; shifts the reading frame from threonine 1175.
Molecular consequence: frameshift variant.
Genome position: GRCh38 VCF-style: chr9-114269257-T-TAGGG. GRCh37 (hg19) VCF-style: chr9-117031537-T-TAGGG.
Other names: short protein forms T1175fs.
Identifiers: ClinVar variation 1073584 (VCV001073584.7), dbSNP rs2135622964, ClinGen allele CA2499219574.